The following is an entry in ClinVar:

ClinVar aggregate classification (germline): Uncertain significance. Review status: criteria provided, multiple submitters, no conflicts (2 of 4 stars). 2 submissions from 2 submitters: Uncertain significance (2). Last evaluated 2023-08-24.

Conditions:
Cardiovascular phenotype. Identifiers: MedGen CN230736.
Dilated cardiomyopathy 1CC (CMD1CC). Identifiers: Orphanet 154, MedGen C2751084, MONDO:0013147, OMIM 613122.
Hypertrophic cardiomyopathy 20. Identifiers: MedGen C3151267, MONDO:0013477, OMIM 613876.

Allele frequency attached by ClinVar (database versions not stated): TOPMed below 0.00001; gnomAD exomes 0.00001; ExAC 0.00002.
gnomAD v4.1: 16 of 1,613,692 alleles (0.00099%); highest among the groups gnomAD compares: African/African-American, 0.0013%; no homozygotes.

Submissions (2):

Labcorp Genetics (formerly Invitae), Labcorp
Classification: Uncertain significance for Dilated cardiomyopathy 1CC; Hypertrophic cardiomyopathy 20. Last evaluated: 2023-08-24. Review status: criteria provided, single submitter. Criteria: Invitae Variant Classification Sherloc (09022015). Collection method: clinical testing. Allele origin: germline.
Comment: This variant has not been reported in the literature in individuals affected with NEXN-related conditions. ClinVar contains an entry for this variant (Variation ID: 1011537). Advanced modeling of protein sequence and biophysical properties (such as structural, functional, and spatial information, amino acid conservation, physicochemical variation, residue mobility, and thermodynamic stability) has been performed at Invitae for this missense variant, however the output from this modeling did not meet the statistical confidence thresholds required to predict the impact of this variant on NEXN protein function. In summary, the available evidence is currently insufficient to determine the role of this variant in disease. Therefore, it has been classified as a Variant of Uncertain Significance. This variant is present in population databases (rs748404504, gnomAD 0.003%). This sequence change replaces glutamic acid, which is acidic and polar, with glycine, which is neutral and non-polar, at codon 620 of the NEXN protein (p.Glu620Gly).

Ambry Genetics
Classification: Uncertain significance for Cardiovascular phenotype. Last evaluated: 2019-09-04. Review status: criteria provided, single submitter. Criteria: Ambry Variant Classification Scheme 2023. Collection method: clinical testing. Allele origin: germline.
Comment: The p.E620G variant (also known as c.1859A>G), located in coding exon 12 of the NEXN gene, results from an A to G substitution at nucleotide position 1859. The glutamic acid at codon 620 is replaced by glycine, an amino acid with similar properties. This amino acid position is highly conserved in available vertebrate species. In addition, this alteration is predicted to be deleterious by in silico analysis. Since supporting evidence is limited at this time, the clinical significance of this alteration remains unclear.

NM_144573.4(NEXN):c.1859A>G (p.Glu620Gly)

Gene: NEXN (nexilin F-actin binding protein; plus strand). Cytogenetic location: 1p31.1.
Variant type: single nucleotide variant.
Coding change: c.1859A>G on transcript NM_144573.4 (MANE Select); coding-DNA position 1859, A replaced by G.
Protein change: p.Glu620Gly; replaces glutamic acid 620 with glycine.
Molecular consequence: missense variant.
Genome position (GRCh38, 1-based): chr1:77,942,660, A>G. VCF-style: chr1-77942660-A-G. GRCh37 (hg19) VCF-style: chr1-78408345-A-G.
Other names: c.1667A>G, p.Glu556Gly (NM_001172309.2); short protein forms E556G, E620G.
Identifiers: ClinVar variation 1011537 (VCV001011537.10), dbSNP rs748404504, ClinGen allele CA918994.